The following is an entry in ClinVar:

NM_016030.6(TRAPPC12):c.879C>G (p.Pro293=)

Gene: TRAPPC12 (trafficking protein particle complex subunit 12; plus strand). Cytogenetic location: 2p25.3.
Variant type: single nucleotide variant.
Coding change: c.879C>G on transcript NM_016030.6 (MANE Select); coding-DNA position 879, C replaced by G.
Protein change: p.Pro293=; no amino-acid change (proline 293 retained).
Molecular consequence: synonymous variant.
Genome position (GRCh38, 1-based): chr2:3,388,502, C>G. VCF-style: chr2-3388502-C-G. GRCh37 (hg19) VCF-style: chr2-3392273-C-G.
Other names: c.879C>G (NM_016030.5); c.879C>G, p.Pro293= (NM_001321102.2).
Identifiers: ClinVar variation 2650634 (VCV002650634.25), dbSNP rs777042481, ClinGen allele CA1515208.

ClinVar aggregate classification (germline): Likely benign. Review status: criteria provided, single submitter (1 of 4 stars). 2 submissions from 2 submitters: Likely benign (1). 1 of the submissions does not count toward it. Last evaluated 2022-03-01.

Conditions:
TRAPPC12-related disorder. Also called: TRAPPC12-related condition.

Allele frequency attached by ClinVar (database versions not stated): gnomAD exomes 0.00004; TOPMed 0.00005; gnomAD 0.00006.
gnomAD v4.1: 71 of 1,612,778 alleles (0.0044%); highest among the groups gnomAD compares: Non-Finnish European, 0.0059%; no homozygotes.

Submissions (2):

CeGaT Center for Human Genetics Tuebingen
Classification: Likely benign. Last evaluated: 2022-03-01. Review status: criteria provided, single submitter. Criteria: CeGaT Center For Human Genetics Tuebingen Variant Classification Criteria Version 2. Collection method: clinical testing. Allele origin: germline. Affected: yes. Observed: 1 variant allele.
Comment: TRAPPC12: BP4, BP7

PreventionGenetics, part of Exact Sciences
Classification: Likely benign for TRAPPC12-related condition. Last evaluated: 2019-08-29. Review status: no assertion criteria provided. Collection method: clinical testing. Allele origin: germline. Not counted in ClinVar's aggregate classification.
Comment: This variant is classified as likely benign based on ACMG/AMP sequence variant interpretation guidelines (Richards et al. 2015 PMID: 25741868, with internal and published modifications).